The following is an entry in ClinVar:

NM_000053.4(ATP7B):c.3114G>A (p.Arg1038=)

Gene: ATP7B (ATPase copper transporting beta; minus strand). Cytogenetic location: 13q14.3.
Variant type: single nucleotide variant.
Coding change: c.3114G>A on transcript NM_000053.4 (MANE Select); coding-DNA position 3114, G replaced by A.
Protein change: p.Arg1038=; no amino-acid change (arginine 1038 retained).
Molecular consequence: synonymous variant.
Genome position (GRCh38, 1-based): chr13:51,944,238, C>T on the plus strand (G>A on the coding strand, the complement: ATP7B is on the minus strand). VCF-style: chr13-51944238-C-T. GRCh37 (hg19) VCF-style: chr13-52518374-C-T.
Other names: c.2493G>A, p.Arg831= (NM_001005918.3); c.2781G>A, p.Arg927= (NM_001243182.2); c.2880G>A, p.Arg960= (NM_001330578.2); c.2862G>A, p.Arg954= (NM_001330579.2).
Identifiers: ClinVar variation 881370 (VCV000881370.18), dbSNP rs761888880, ClinGen allele CA6988804.

ClinVar aggregate classification (germline): Conflicting classifications of pathogenicity. Review status: criteria provided, conflicting classifications (1 of 4 stars). 6 submissions from 6 submitters: Uncertain significance (1); Likely benign (5). Last evaluated 2025-12-22.

Conditions:
Wilson disease (WND). Also called: Wilson's disease. Identifiers: Orphanet 905, MedGen C0019202, MONDO:0010200, OMIM 277900. Disease mechanism: loss of function.
Inborn genetic diseases. Identifiers: MedGen C0950123, MeSH D030342.

Allele frequency attached by ClinVar (database versions not stated): TOPMed below 0.00001; ExAC 0.00001; gnomAD 0.00001; gnomAD exomes 0.00001.
gnomAD v4.1: 18 of 1,613,962 alleles (0.0011%); highest among the groups gnomAD compares: African/African-American, 0.004%; no homozygotes.

Submissions (6):

Labcorp Genetics (formerly Invitae), Labcorp
Classification: Likely benign for Wilson disease. Last evaluated: 2025-12-22. Review status: criteria provided, single submitter. Criteria: Invitae Variant Classification Sherloc (09022015). Collection method: clinical testing. Allele origin: germline.

All of Us Research Program, National Institutes of Health
Classification: Likely benign for Wilson disease. Last evaluated: 2024-08-06. Review status: criteria provided, single submitter. Criteria: ACMG Guidelines, 2015. Collection method: clinical testing. Allele origin: germline. Inheritance: Autosomal recessive inheritance. Observed: 3 variant alleles, 3 heterozygotes.
Comment: This study involves interpretation of variants in research participants for the purpose of population health screening. Participant phenotype was not available at the time of variant classification. Additional details can be found in publication PMID: 35346344, PMCID: PMC8962531

Ambry Genetics
Classification: Likely benign for Inborn genetic diseases. Last evaluated: 2024-03-10. Review status: criteria provided, single submitter. Criteria: Ambry Variant Classification Scheme 2023. Collection method: clinical testing. Allele origin: germline.

Color Diagnostics, LLC DBA Color Health
Classification: Likely benign for Wilson disease. Last evaluated: 2022-04-28. Review status: criteria provided, single submitter. Criteria: ACMG Guidelines, 2015. Collection method: clinical testing. Allele origin: germline.

Genome-Nilou Lab
Classification: Likely benign for Wilson disease. Last evaluated: 2021-08-10. Review status: criteria provided, single submitter. Criteria: ACMG Guidelines, 2015. Collection method: clinical testing. Allele origin: germline. Affected: no.

Illumina Laboratory Services, Illumina
Classification: Uncertain significance for Wilson disease. Last evaluated: 2018-01-12. Review status: criteria provided, single submitter. Criteria: ICSL Variant Classification Criteria 13 December 2019. Collection method: clinical testing. Allele origin: germline.